The following is an entry in ClinVar:

ClinVar aggregate classification (germline): Uncertain significance (1 of 4 stars; one submission).

Submission:

CeGaT Center for Human Genetics Tuebingen
Classification: Uncertain significance. Last evaluated: 2024-12-01. Review status: criteria provided, single submitter. Criteria: CeGaT Center For Human Genetics Tuebingen Variant Classification Criteria Version 2. Collection method: clinical testing. Allele origin: germline. Affected: yes. Observed: 1 variant allele.
Comment: SCN8A: PM2, PP2, PP3

NM_001330260.2(SCN8A):c.4783C>G (p.Leu1595Val)

Gene: SCN8A (sodium voltage-gated channel alpha subunit 8; plus strand). Cytogenetic location: 12q13.13.
Variant type: single nucleotide variant.
Coding change: c.4783C>G on transcript NM_001330260.2 (MANE Select); coding-DNA position 4783, C replaced by G.
Protein change: p.Leu1595Val; replaces leucine 1595 with valine.
Molecular consequence: missense variant.
Genome position (GRCh38, 1-based): chr12:51,794,629, C>G. VCF-style: chr12-51794629-C-G. GRCh37 (hg19) VCF-style: chr12-52188413-C-G.
Other names: c.4660C>G, p.Leu1554Val (NM_001177984.3, NM_001369788.1); c.4783C>G, p.Leu1595Val (NM_014191.4); short protein forms L1554V, L1595V.
Identifiers: ClinVar variation 3772121 (VCV003772121.13).